The following is an entry in ClinVar:

NM_016151.4(TAOK2):c.3464A>G (p.Lys1155Arg)

Gene: TAOK2 (TAO kinase 2; plus strand). Cytogenetic location: 16p11.2.
Variant type: single nucleotide variant.
Coding change: c.3464A>G on transcript NM_016151.4 (MANE Select); coding-DNA position 3464, A replaced by G.
Protein change: p.Lys1155Arg; replaces lysine 1155 with arginine.
Molecular consequence: missense variant. On other transcripts: intron variant (1).
Genome position (GRCh38, 1-based): chr16:29,987,736, A>G. VCF-style: chr16-29987736-A-G. GRCh37 (hg19) VCF-style: chr16-29999057-A-G.
Other names: c.3125A>G, p.Lys1042Arg (NM_001252043.2); c.2232+1232A>G (NM_004783.4); short protein forms K1155R, K1042R.
Identifiers: ClinVar variation 4729741 (VCV004729741.1).

ClinVar aggregate classification (germline): Uncertain significance (1 of 4 stars; one submission).

Submission:

Labcorp Genetics (formerly Invitae), Labcorp
Classification: Uncertain significance. Last evaluated: 2025-10-23. Review status: criteria provided, single submitter. Criteria: Invitae Variant Classification Sherloc (09022015). Collection method: clinical testing. Allele origin: germline.
Comment: This sequence change replaces lysine, which is basic and polar, with arginine, which is basic and polar, at codon 1155 of the TAOK2 protein (p.Lys1155Arg). This variant is not present in population databases (gnomAD no frequency). This variant has not been reported in the literature in individuals affected with TAOK2-related conditions. An algorithm developed to predict the effect of missense changes on protein structure and function (PolyPhen-2) suggests that this variant is likely to be disruptive. In summary, the available evidence is currently insufficient to determine the role of this variant in disease. Therefore, it has been classified as a Variant of Uncertain Significance.